The following is an entry in ClinVar:

ClinVar aggregate classification (germline): Conflicting classifications of pathogenicity. Review status: criteria provided, conflicting classifications (1 of 4 stars). 5 submissions from 5 submitters: Uncertain significance (4); Likely benign (1). Last evaluated 2025-05-06.

Conditions:
BBS9-related disorder. Also called: BBS9-related condition.
Inborn genetic diseases. Identifiers: MedGen C0950123, MeSH D030342.
Bardet-Biedl syndrome (BBS). Identifiers: Orphanet 110, MedGen C0752166, MONDO:0015229.
Bardet-Biedl syndrome 9 (BBS9). Identifiers: Orphanet 110, MedGen C1859567, MONDO:0014437, OMIM 615986.

Allele frequency attached by ClinVar (database versions not stated): gnomAD exomes 0.00001; ExAC 0.00002; TOPMed 0.00002; ESP Exome Variant Server 0.00008; gnomAD 0.00010.
gnomAD v4.1: 14 of 1,606,722 alleles (0.00087%); highest among the groups gnomAD compares: African/African-American, 0.011%; no homozygotes.

Submissions (5):

PreventionGenetics, part of Exact Sciences
Classification: Uncertain significance for BBS9-related condition. Last evaluated: 2025-05-06. Review status: criteria provided, single submitter. Criteria: ACMG Guidelines, 2015. Collection method: clinical testing. Allele origin: germline.
Comment: The BBS9 c.436G>A variant is predicted to result in the amino acid substitution p.Val146Ile. To our knowledge, this variant has not been reported in the literature. This variant is reported in 0.016% of alleles in individuals of African descent in gnomAD. At this time, the clinical significance of this variant is uncertain due to the absence of conclusive functional and genetic evidence.

Ambry Genetics
Classification: Likely benign for Inborn genetic diseases. Last evaluated: 2024-09-30. Review status: criteria provided, single submitter. Criteria: Ambry Variant Classification Scheme 2023. Collection method: clinical testing. Allele origin: germline.

Labcorp Genetics (formerly Invitae), Labcorp
Classification: Uncertain significance for Bardet-Biedl syndrome. Last evaluated: 2022-08-31. Review status: criteria provided, single submitter. Criteria: Invitae Variant Classification Sherloc (09022015). Collection method: clinical testing. Allele origin: germline.
Comment: This sequence change replaces valine, which is neutral and non-polar, with isoleucine, which is neutral and non-polar, at codon 146 of the BBS9 protein (p.Val146Ile). This variant is present in population databases (rs372412756, gnomAD 0.02%). This variant has not been reported in the literature in individuals affected with BBS9-related conditions. ClinVar contains an entry for this variant (Variation ID: 387597). Algorithms developed to predict the effect of missense changes on protein structure and function output the following: SIFT: "Tolerated"; PolyPhen-2: "Benign"; Align-GVGD: "Class C0". The isoleucine amino acid residue is found in multiple mammalian species, which suggests that this missense change does not adversely affect protein function. In summary, the available evidence is currently insufficient to determine the role of this variant in disease. Therefore, it has been classified as a Variant of Uncertain Significance.

Fulgent Genetics
Classification: Uncertain significance for Bardet-Biedl syndrome 9. Last evaluated: 2022-02-12. Review status: criteria provided, single submitter. Criteria: ACMG Guidelines, 2015. Collection method: clinical testing. Allele origin: unknown.

GeneDx
Classification: Uncertain significance. Last evaluated: 2016-07-19. Review status: criteria provided, single submitter. Criteria: GeneDx Variant Classification (06012015). Collection method: clinical testing. Allele origin: germline. Affected: yes.
Comment: The V146I variant in the BBS9 gene has not been reported previously as a pathogenic variant, nor as a benign variant, to our knowledge. The V146I variant was not observed with any significant frequency in approximately 6,500 individuals of European and African American ancestry in the NHLBI Exome Sequencing Project, indicating it is not a common benign variant in these populations. The V146I variant is a conservative amino acid substitution, which is not likely to impact secondary protein structure as these residues share similar properties. This substitution occurs at a position where amino acids with similar properties to Valine are tolerated across species. In silico analysis is inconsistent in its predictions as to whether or not the variant is damaging to the protein structure/function. We interpret V146I as a variant of uncertain significance.

NM_198428.3(BBS9):c.436G>A (p.Val146Ile)

Gene: BBS9 (Bardet-Biedl syndrome 9; plus strand). Cytogenetic location: 7p14.3.
Variant type: single nucleotide variant.
Coding change: c.436G>A on transcript NM_198428.3 (MANE Select); coding-DNA position 436, G replaced by A.
Protein change: p.Val146Ile; replaces valine 146 with isoleucine.
Molecular consequence: missense variant. On other transcripts: non-coding transcript variant (3).
Genome position (GRCh38, 1-based): chr7:33,177,585, G>A. VCF-style: chr7-33177585-G-A. GRCh37 (hg19) VCF-style: chr7-33217197-G-A.
Other names: c.436G>A, p.Val146Ile (NM_001033604.2, NM_001033605.2, NM_001348036.1 and 5 more transcripts); c.70G>A, p.Val24Ile (NM_001348037.3, NM_001348044.3, NM_001348045.3 and 1 more transcripts); c.163G>A, p.Val55Ile (NM_001348038.3, NM_001348039.3); c.301G>A, p.Val101Ile (NM_001348042.3); short protein forms V146I, V55I, V24I, V101I.
Identifiers: ClinVar variation 387597 (VCV000387597.10), dbSNP rs372412756, ClinGen allele CA4213983.